The following is an entry in ClinVar:

NM_001370259.2(MEN1):c.824+5G>A

Gene: MEN1 (menin 1; minus strand). Cytogenetic location: 11q13.1.
Variant type: single nucleotide variant.
Coding change: c.824+5G>A on transcript NM_001370259.2 (MANE Select); 5 bases into the intron after coding-DNA position 824, G replaced by A.
Molecular consequence: intron variant.
Genome position (GRCh38, 1-based): chr11:64,807,174, C>T on the plus strand (G>A on the coding strand, the complement: MEN1 is on the minus strand). VCF-style: chr11-64807174-C-T. GRCh37 (hg19) VCF-style: chr11-64574646-C-T.
Other names: c.839+5G>A (NM_130804.3, NM_130803.3, NM_000244.4 and 3 more transcripts); c.824+5G>A (NM_130799.3, NM_001370260.2, NM_001370251.2 and 1 more transcripts); c.719+5G>A (NM_001370263.2, NM_001370262.2).
Identifiers: ClinVar variation 418734 (VCV000418734.3), dbSNP rs1064793398, ClinGen allele CA16619361.

ClinVar aggregate classification (germline): Likely pathogenic (1 of 4 stars; one submission).

Submission:

GeneDx
Classification: Likely pathogenic. Last evaluated: 2015-03-24. Review status: criteria provided, single submitter. Criteria: GeneDx Variant Classification (06012015). Collection method: clinical testing. Allele origin: germline. Affected: yes.
Comment: The c.824+5 G>A substitution has been published using alternate nomenclature as a pathogenic variantidentified in the France (GENEM) network (Calender et al,, 2000). However, there was no phenotypic orfunctional data reported for this variant (Calender et al,, 2000). The c.824+5 G>A variant was not observed inapproximately 6,500 individuals of European and African American ancestry in the NHLBI Exome SequencingProject, indicating it is not a common benign variant in these populations. Several in-silico splice predictionmodels predict that c.824+5 G>A either damages or destroys the natural donor site and lead to abnormal genesplicing. However, in the absence of RNA/functional studies, the actual effect of this sequence change in thisindividual is unknown. Therefore, based on the currently available information, c.824+5 G>A is a strong candidate for a pathogenic variant, however the possibility it may be a rare benign variant cannot be excluded